The following is an entry in ClinVar:

ClinVar aggregate classification (germline): Likely pathogenic. Review status: criteria provided, multiple submitters, no conflicts (2 of 4 stars). 3 submissions from 3 submitters: Likely pathogenic (3). Last evaluated 2026-04-13.

Conditions:
Schwannomatosis. Identifiers: Orphanet 93921, MedGen C1335929, MeSH C536641, MONDO:0008075.
Hereditary cancer-predisposing syndrome. Also called: Tumor predisposition; Neoplastic Syndromes, Hereditary; Hereditary Cancer Syndrome; Hereditary neoplastic syndrome. Identifiers: Orphanet 140162, MedGen C0027672, MeSH D009386, MONDO:0015356.
Cardiovascular phenotype. Identifiers: MedGen CN230736.

Submissions (3):

Ambry Genetics
Classification: Likely pathogenic for Cardiovascular phenotype; Hereditary cancer-predisposing syndrome. Last evaluated: 2026-04-13. Review status: criteria provided, single submitter. Criteria: Ambry Variant Classification Scheme 2023. Collection method: clinical testing. Allele origin: germline.
Comment: The c.401-1G>C intronic variant results from a G to C substitution one nucleotide upstream from coding exon 5 of the LZTR1 gene. This variant was reported in individual(s) with features consistent with LZTR1-related schwannomatosis (Ambry internal data). This variant is considered to be rare based on population cohorts in the Genome Aggregation Database (gnomAD). This nucleotide position is highly conserved in available vertebrate species. In silico splice site analysis predicts that this alteration will weaken the native splice acceptor site; however, direct evidence is insufficient at this time (Ambry internal data). Alterations that disrupt the canonical splice site are expected to cause aberrant splicing, resulting in an abnormal protein or a transcript that is subject to nonsense-mediated mRNA decay. Loss-of-function variants in LZTR1 are related to an increased risk for schwannomas and autosomal recessive Noonan syndrome; however, such associations with autosomal dominant Noonan syndrome have not been observed (Piotrowski A et al. Nat Genet. 2014 Feb;46:182-7; Yamamoto GL et al. J Med Genet. 2015 Jun;52:413-21; Johnston JJ et al. Genet Med. 2018 10;20:1175-1185). Based on the supporting evidence, this variant is likely pathogenic for an increased risk of LZTR1-related schwannomatosis (SWN) and would be expected to cause autosomal recessive Noonan syndrome when present along with a second pathogenic or likely pathogenic variant on the other allele; however, the association of this alteration with autosomal dominant Noonan syndrome is unlikely.

Labcorp Genetics (formerly Invitae), Labcorp
Classification: Likely pathogenic. Last evaluated: 2024-12-05. Review status: criteria provided, single submitter. Criteria: Invitae Variant Classification Sherloc (09022015). Collection method: clinical testing. Allele origin: germline.
Comment: This sequence change affects an acceptor splice site in intron 4 of the LZTR1 gene. It is expected to disrupt RNA splicing. Variants that disrupt the donor or acceptor splice site typically lead to a loss of protein function (PMID: 16199547), and loss-of-function variants in LZTR1 are known to be pathogenic (PMID: 24362817, 25335493, 25480913, 25795793, 29469822, 30368668, 30442762, 30442766, 30481304, 30859559). This variant is not present in population databases (gnomAD no frequency). Disruption of this splice site has been observed in individual(s) with clinical features of LZTR1-related conditions (PMID: 25480913). ClinVar contains an entry for this variant (Variation ID: 1479453). Algorithms developed to predict the effect of sequence changes on RNA splicing suggest that this variant may disrupt the consensus splice site. In summary, the currently available evidence indicates that the variant is pathogenic, but additional data are needed to prove that conclusively. Therefore, this variant has been classified as Likely Pathogenic.

Women's Health and Genetics/Laboratory Corporation of America, LabCorp
Classification: Likely pathogenic for Schwannomatosis. Last evaluated: 2024-07-19. Review status: criteria provided, single submitter. Criteria: LabCorp Variant Classification Summary - May 2015. Collection method: clinical testing. Allele origin: germline.
Comment: Variant summary: LZTR1 c.401-1G>C is located in a canonical splice-site and is predicted to affect mRNA splicing resulting in a significantly altered protein due to either exon skipping, shortening, or inclusion of intronic material. Several computational tools predict a significant impact on normal splicing: Four predict the variant abolishes a 3 acceptor site. However, these predictions have yet to be confirmed by functional studies. The variant was absent in 249658 control chromosomes. To our knowledge, no occurrence of c.401-1G>C in individuals affected with LZTR1-related conditions and no experimental evidence demonstrating its impact on protein function have been reported. ClinVar contains an entry for this variant (Variation ID: 1479453). Germline loss of function mutations in LZTR1 have been reported to predispose to an inherited disorder of multiple schwannomas (Piotrowski_2014) and recessive Noonan syndrome (Johnston_2018). Based on the evidence outlined above, the variant was classified as likely pathogenic for the risk of multiple schwannomas and recessive Noonan syndrome.

Literature cited by the submitters: PubMed 16199547 (cited by Labcorp Genetics (formerly Invitae), Labcorp); PubMed 24362817 (cited by Labcorp Genetics (formerly Invitae), Labcorp); PubMed 25335493 (cited by Labcorp Genetics (formerly Invitae), Labcorp); PubMed 25480913 (cited by Labcorp Genetics (formerly Invitae), Labcorp); PubMed 25795793 (cited by Labcorp Genetics (formerly Invitae), Labcorp); PubMed 29469822 (cited by Labcorp Genetics (formerly Invitae), Labcorp); PubMed 30368668 (cited by Labcorp Genetics (formerly Invitae), Labcorp); PubMed 30442762 (cited by Labcorp Genetics (formerly Invitae), Labcorp); PubMed 30442766 (cited by Labcorp Genetics (formerly Invitae), Labcorp); PubMed 30481304 (cited by Labcorp Genetics (formerly Invitae), Labcorp); PubMed 30859559 (cited by Labcorp Genetics (formerly Invitae), Labcorp).

NM_006767.4(LZTR1):c.401-1G>C

Gene: LZTR1 (leucine zipper like post translational regulator 1; plus strand). Cytogenetic location: 22q11.21.
Variant type: single nucleotide variant.
Coding change: c.401-1G>C on transcript NM_006767.4 (MANE Select); the canonical splice acceptor site of the intron before coding-DNA position 401, G replaced by C.
Molecular consequence: splice acceptor variant.
Genome position (GRCh38, 1-based): chr22:20,988,009, G>C. VCF-style: chr22-20988009-G-C. GRCh37 (hg19) VCF-style: chr22-21342298-G-C.
Identifiers: ClinVar variation 1479453 (VCV001479453.10), dbSNP rs747225246, ClinGen allele CA410779564.
Genomic context (GRCh38, chr22:20,988,009, plus strand): 5'-AGGGTTTGAAATCTCCAAGACTGCCCTTTGGGTTTGACAGTTTCTCACTCTCTTTACTCA[G>C]GGGGTTACACTGGGGACATTTATTCCAATTCTAACTTGAAGAATAAAAACGACCTCTTTG-3'